The following is an entry in ClinVar:

NM_001004320.2(AGMO):c.1263+8del

Gene: AGMO (alkylglycerol monooxygenase; minus strand). Cytogenetic location: 7p21.2.
Variant type: Deletion.
Coding change: c.1263+8del on transcript NM_001004320.2 (MANE Select); 8 bases into the intron after coding-DNA position 1263, one base deleted (A; older notation c.1263+8delA).
Molecular consequence: intron variant.
Genome position (GRCh38, 1-based): chr7:15,365,506, T deleted on the plus strand (A on the coding strand, the reverse complement: AGMO is on the minus strand). VCF-style (leftmost placement, unchanged base first): chr7-15365505-AT-A. GRCh37 (hg19) VCF-style: chr7-15405130-AT-A.
Other names: c.1263+8delA (NM_001004320.1).
Identifiers: ClinVar variation 434105 (VCV000434105.8), dbSNP rs770368536, ClinGen allele CA4168282.

ClinVar aggregate classification (germline): Uncertain significance. Review status: criteria provided, single submitter (1 of 4 stars). 2 submissions from 2 submitters: Uncertain significance (1). 1 of the submissions does not count toward it. Last evaluated 2017-06-22.

Conditions:
AGMO-related disorder. Also called: AGMO-related condition.

Allele frequency attached by ClinVar (database versions not stated): gnomAD exomes 0.00006 and 0.00010; ExAC 0.00014; gnomAD 0.00050 and 0.00059; TOPMed 0.00069; ESP Exome Variant Server 0.00096.

Submissions (2):

Genetic Services Laboratory, University of Chicago
Classification: Uncertain significance. Last evaluated: 2017-06-22. Review status: criteria provided, single submitter. Criteria: ACMG Guidelines, 2015. Collection method: clinical testing. Allele origin: germline. Affected: no.

PreventionGenetics, part of Exact Sciences
Classification: Likely benign for AGMO-related condition. Last evaluated: 2019-07-01. Review status: no assertion criteria provided. Collection method: clinical testing. Allele origin: germline. Not counted in ClinVar's aggregate classification.
Comment: This variant is classified as likely benign based on ACMG/AMP sequence variant interpretation guidelines (Richards et al. 2015 PMID: 25741868, with internal and published modifications).